The following is an entry in ClinVar:

ClinVar aggregate classification (germline): Uncertain significance (1 of 4 stars; one submission).

Conditions:
Ataxia-telangiectasia syndrome (AT). Also called: Ataxia-telangiectasia, complementation group D; LOUIS-BAR SYNDROME; ATAXIA-TELANGIECTASIA, COMPLEMENTATION GROUP A; ATAXIA-TELANGIECTASIA, FRESNO VARIANT; Ataxia telangiectasia (A-T); Cerebello-oculocutaneous telangiectasia. Identifiers: Orphanet 100, MedGen C0004135, MONDO:0008840, OMIM 208900.

Submission:

Labcorp Genetics (formerly Invitae), Labcorp
Classification: Uncertain significance for Ataxia-telangiectasia syndrome. Last evaluated: 2023-10-28. Review status: criteria provided, single submitter. Criteria: Invitae Variant Classification Sherloc (09022015). Collection method: clinical testing. Allele origin: germline.
Comment: This sequence change replaces tyrosine, which is neutral and polar, with asparagine, which is neutral and polar, at codon 1300 of the ATM protein (p.Tyr1300Asn). This variant is not present in population databases (gnomAD no frequency). This variant has not been reported in the literature in individuals affected with ATM-related conditions. An algorithm developed to predict the effect of missense changes on protein structure and function (PolyPhen-2) suggests that this variant is likely to be tolerated. In summary, the available evidence is currently insufficient to determine the role of this variant in disease. Therefore, it has been classified as a Variant of Uncertain Significance.

NM_000051.4(ATM):c.3898T>A (p.Tyr1300Asn)

Gene: ATM (ATM serine/threonine kinase; plus strand). Cytogenetic location: 11q22.3.
Variant type: single nucleotide variant.
Coding change: c.3898T>A on transcript NM_000051.4 (MANE Select); coding-DNA position 3898, T replaced by A.
Protein change: p.Tyr1300Asn; replaces tyrosine 1300 with asparagine.
Molecular consequence: missense variant.
Genome position (GRCh38, 1-based): chr11:108,284,378, T>A. VCF-style: chr11-108284378-T-A. GRCh37 (hg19) VCF-style: chr11-108155105-T-A.
Other names: c.3898T>A, p.Tyr1300Asn (NM_001351834.2); short protein forms Y1300N.
Identifiers: ClinVar variation 2772174 (VCV002772174.3), dbSNP rs1591646097, ClinGen allele CA382525579.